The following is an entry in ClinVar:

NM_018943.3(TUBA8):c.686G>A (p.Arg229His)

Gene: TUBA8 (tubulin alpha 8; plus strand). Cytogenetic location: 22q11.21.
Variant type: single nucleotide variant.
Coding change: c.686G>A on transcript NM_018943.3 (MANE Select); coding-DNA position 686, G replaced by A.
Protein change: p.Arg229His; replaces arginine 229 with histidine.
Molecular consequence: missense variant.
Genome position (GRCh38, 1-based): chr22:18,126,664, G>A. VCF-style: chr22-18126664-G-A. GRCh37 (hg19) VCF-style: chr22-18609431-G-A.
Other names: c.686G>A (NM_018943.2); c.488G>A, p.Arg163His (NM_001193414.2); short protein forms R163H, R229H.
Identifiers: ClinVar variation 1439073 (VCV001439073.8), dbSNP rs372238980, ClinGen allele CA10093734.

ClinVar aggregate classification (germline): Uncertain significance. Review status: criteria provided, multiple submitters, no conflicts (2 of 4 stars). 2 submissions from 2 submitters: Uncertain significance (2). Last evaluated 2026-02-02.

Allele frequency attached by ClinVar (database versions not stated): TOPMed below 0.00001; gnomAD 0.00001; ExAC 0.00002; gnomAD exomes 0.00002 and 0.00005; ESP Exome Variant Server 0.00008.
gnomAD v4.1: 74 of 1,613,992 alleles (0.0046%); highest among the groups gnomAD compares: Non-Finnish European, 0.006%; no homozygotes.

Submissions (2):

Labcorp Genetics (formerly Invitae), Labcorp
Classification: Uncertain significance. Last evaluated: 2026-02-02. Review status: criteria provided, single submitter. Criteria: Invitae Variant Classification Sherloc (09022015). Collection method: clinical testing. Allele origin: germline.
Comment: This sequence change replaces arginine, which is basic and polar, with histidine, which is basic and polar, at codon 229 of the TUBA8 protein (p.Arg229His). This variant is present in population databases (rs372238980, gnomAD 0.004%). This variant has not been reported in the literature in individuals affected with TUBA8-related conditions. ClinVar contains an entry for this variant (Variation ID: 1439073). Invitae Evidence Modeling of protein sequence and biophysical properties (such as structural, functional, and spatial information, amino acid conservation, physicochemical variation, residue mobility, and thermodynamic stability) indicates that this missense variant is not expected to disrupt TUBA8 protein function with a negative predictive value of 80%. In summary, the available evidence is currently insufficient to determine the role of this variant in disease. Therefore, it has been classified as a Variant of Uncertain Significance.

Ambry Genetics
Classification: Uncertain significance. Last evaluated: 2025-07-15. Review status: criteria provided, single submitter. Criteria: Ambry Variant Classification Scheme 2023. Collection method: clinical testing. Allele origin: germline.